The following is an entry in ClinVar:

NM_001166114.2(PNPLA6):c.3977A>C (p.Glu1326Ala)

Gene: PNPLA6 (patatin like domain 6, lysophospholipase; plus strand). Cytogenetic location: 19p13.2.
Variant type: single nucleotide variant.
Coding change: c.3977A>C on transcript NM_001166114.2 (MANE Select); coding-DNA position 3977, A replaced by C.
Protein change: p.Glu1326Ala; replaces glutamic acid 1326 with alanine.
Molecular consequence: missense variant.
Genome position (GRCh38, 1-based): chr19:7,561,271, A>C. VCF-style: chr19-7561271-A-C. GRCh37 (hg19) VCF-style: chr19-7626157-A-C.
Other names: c.4007A>C, p.Glu1336Ala (NM_001166111.2); c.3782A>C, p.Glu1261Ala (NM_001166112.2); c.3863A>C, p.Glu1288Ala (NM_001166113.1, NM_006702.5); short protein forms E1288A, E1261A, E1326A, E1336A.
Identifiers: ClinVar variation 963622 (VCV000963622.9), dbSNP rs2024089279, ClinGen allele CA403139489.
Genomic context (GRCh38, chr19:7,561,271, plus strand): 5'-AGGAGTCAGATTGTCTGACAGAGTATGAGGAGGACGCCGGACCCGACTGCTCGAGGGATG[A>C]AGGGGGGTCCCCCGAGGGCGCAAGCCCCAGCACTGCCTCCGAGATGGTGAGAGTGGGTGG-3'
Protein context (NP_001159586.1, residues 1316-1336): EDAGPDCSRD[Glu1326Ala]GGSPEGASPS

ClinVar aggregate classification (germline): Uncertain significance (1 of 4 stars; one submission).

Conditions:
Hereditary spastic paraplegia 39 (SPG39). Also called: Spastic Paraplegia Type 39 (SPG39); SPASTIC PARAPLEGIA 39, AUTOSOMAL RECESSIVE. Identifiers: Orphanet 139480, MedGen C2677586, MONDO:0012787, OMIM 612020.

Submission:

Labcorp Genetics (formerly Invitae), Labcorp
Classification: Uncertain significance for Hereditary spastic paraplegia 39. Last evaluated: 2024-10-14. Review status: criteria provided, single submitter. Criteria: Invitae Variant Classification Sherloc (09022015). Collection method: clinical testing. Allele origin: germline.
Comment: This sequence change replaces glutamic acid, which is acidic and polar, with alanine, which is neutral and non-polar, at codon 1288 of the PNPLA6 protein (p.Glu1288Ala). This variant is not present in population databases (gnomAD no frequency). This variant has not been reported in the literature in individuals affected with PNPLA6-related conditions. ClinVar contains an entry for this variant (Variation ID: 963622). Invitae Evidence Modeling of protein sequence and biophysical properties (such as structural, functional, and spatial information, amino acid conservation, physicochemical variation, residue mobility, and thermodynamic stability) has been performed for this missense variant. However, the output from this modeling did not meet the statistical confidence thresholds required to predict the impact of this variant on PNPLA6 protein function. In summary, the available evidence is currently insufficient to determine the role of this variant in disease. Therefore, it has been classified as a Variant of Uncertain Significance.